The following is an entry in ClinVar:

NM_017617.5(NOTCH1):c.5146T>C (p.Tyr1716His)

Gene: NOTCH1 (notch receptor 1; minus strand). Cytogenetic location: 9q34.3.
Variant type: single nucleotide variant.
Coding change: c.5146T>C on transcript NM_017617.5 (MANE Select); coding-DNA position 5146, T replaced by C.
Protein change: p.Tyr1716His; replaces tyrosine 1716 with histidine.
Molecular consequence: missense variant.
Genome position (GRCh38, 1-based): chr9:136,503,203, A>G on the plus strand (T>C on the coding strand, the complement: NOTCH1 is on the minus strand). VCF-style: chr9-136503203-A-G. GRCh37 (hg19) VCF-style: chr9-139397655-A-G.
Other names: short protein forms Y1716H.
Identifiers: ClinVar variation 1801067 (VCV001801067.1), dbSNP rs2540432891, ClinGen allele CA375642028.

ClinVar aggregate classification (germline): Uncertain significance (1 of 4 stars; one submission).

Submission:

GeneDx
Classification: Uncertain significance. Last evaluated: 2022-05-18. Review status: criteria provided, single submitter. Criteria: GeneDx Variant Classification Process June 2021. Collection method: clinical testing. Allele origin: germline. Affected: yes.
Comment: In silico analysis supports that this missense variant has a deleterious effect on protein structure/function; Not observed at significant frequency in large population cohorts (gnomAD); Has not been previously published as pathogenic or benign to our knowledge